The following is an entry in ClinVar:

NM_003630.3(PEX3):c.74-10A>T

Gene: PEX3 (peroxisomal biogenesis factor 3; plus strand). Cytogenetic location: 6q24.2.
Variant type: single nucleotide variant.
Coding change: c.74-10A>T on transcript NM_003630.3 (MANE Select); 10 bases into the intron before coding-DNA position 74, A replaced by T.
Molecular consequence: intron variant.
Genome position (GRCh38, 1-based): chr6:143,459,075, A>T. VCF-style: chr6-143459075-A-T. GRCh37 (hg19) VCF-style: chr6-143780212-A-T.
Other names: c.74-10A>T (NM_003630.2).
Identifiers: ClinVar variation 2100354 (VCV002100354.6), dbSNP rs570021822, ClinGen allele CA4029453.

ClinVar aggregate classification (germline): Likely benign. Review status: criteria provided, single submitter (1 of 4 stars). 2 submissions from 2 submitters: Likely benign (1). 1 of the submissions does not count toward it. Last evaluated 2024-08-17.

Conditions:
PEX3-related disorder. Also called: PEX3-related condition.

Allele frequency attached by ClinVar (database versions not stated): gnomAD 0.00004; 1000 Genomes Project 0.00020; 1000 Genomes Project 30x 0.00031; gnomAD exomes below 0.00001; TOPMed 0.00003; ExAC 0.00004.
gnomAD v4.1: 12 of 1,560,604 alleles (0.00077%); highest among the groups gnomAD compares: African/African-American, 0.014%; no homozygotes.

Submissions (2):

Labcorp Genetics (formerly Invitae), Labcorp
Classification: Likely benign. Last evaluated: 2024-08-17. Review status: criteria provided, single submitter. Criteria: Invitae Variant Classification Sherloc (09022015). Collection method: clinical testing. Allele origin: germline.

PreventionGenetics, part of Exact Sciences
Classification: Likely benign for PEX3-related condition. Last evaluated: 2021-11-01. Review status: no assertion criteria provided. Collection method: clinical testing. Allele origin: germline. Not counted in ClinVar's aggregate classification.
Comment: This variant is classified as likely benign based on ACMG/AMP sequence variant interpretation guidelines (Richards et al. 2015 PMID: 25741868, with internal and published modifications).